The following is an entry in ClinVar:

ClinVar aggregate classification (germline): Uncertain significance (1 of 4 stars; one submission).

Conditions:
Ehlers-Danlos syndrome, spondylodysplastic type, 3. Also called: Ehlers-Danlos syndrome, spondylocheirodysplastic type. Identifiers: Orphanet 157965, MedGen C2676510, MONDO:0012873, OMIM 612350.

Allele frequency attached by ClinVar (database versions not stated): ExAC 0.00001; gnomAD exomes below 0.00001.
gnomAD v4.1: 2 of 1,608,488 alleles (0.00012%); highest among the groups gnomAD compares: Non-Finnish European, 0.00017%; no homozygotes.

Submission:

Labcorp Genetics (formerly Invitae), Labcorp
Classification: Uncertain significance for Ehlers-Danlos syndrome, spondylodysplastic type, 3. Last evaluated: 2021-09-10. Review status: criteria provided, single submitter. Criteria: Invitae Variant Classification Sherloc (09022015). Collection method: clinical testing. Allele origin: germline.
Comment: This sequence change affects codon 263 of the SLC39A13 mRNA. It is a 'silent' change, meaning that it does not change the encoded amino acid sequence of the SLC39A13 protein. This variant is present in population databases (rs747750601, ExAC 0.002%). This variant has not been reported in the literature in individuals affected with SLC39A13-related conditions. Algorithms developed to predict the effect of sequence changes on RNA splicing suggest that this variant may create or strengthen a splice site. In summary, the available evidence is currently insufficient to determine the role of this variant in disease. Therefore, it has been classified as a Variant of Uncertain Significance.

NM_001128225.3(SLC39A13):c.789G>A (p.Val263=)

Gene: SLC39A13 (solute carrier family 39 member 13; plus strand). Cytogenetic location: 11p11.2.
Variant type: single nucleotide variant.
Coding change: c.789G>A on transcript NM_001128225.3 (MANE Select); coding-DNA position 789, G replaced by A.
Protein change: p.Val263=; no amino-acid change (valine 263 retained).
Molecular consequence: synonymous variant. On other transcripts: non-coding transcript variant (1).
Genome position (GRCh38, 1-based): chr11:47,414,779, G>A. VCF-style: chr11-47414779-G-A. GRCh37 (hg19) VCF-style: chr11-47436330-G-A.
Other names: c.789G>A, p.Val263= (NM_001330245.2, NM_152264.5).
Identifiers: ClinVar variation 1402297 (VCV001402297.3), dbSNP rs747750601, ClinGen allele CA5975952.